The following is an entry in ClinVar:

ClinVar aggregate classification (germline): Likely benign (1 of 4 stars; one submission).

Allele frequency attached by ClinVar (database versions not stated): gnomAD exomes 0.00001.
gnomAD v4.1: 22 of 1,610,244 alleles (0.0014%); highest among the groups gnomAD compares: Non-Finnish European, 0.0016%; no homozygotes.

Submission:

CeGaT Center for Human Genetics Tuebingen
Classification: Likely benign. Last evaluated: 2022-09-01. Review status: criteria provided, single submitter. Criteria: CeGaT Center For Human Genetics Tuebingen Variant Classification Criteria Version 2. Collection method: clinical testing. Allele origin: germline. Affected: yes. Observed: 1 variant allele.
Comment: KIF14: BP4, BP7

NM_014875.3(KIF14):c.3832C>T (p.Leu1278=)

Gene: KIF14 (kinesin family member 14; minus strand). Cytogenetic location: 1q32.1.
Variant type: single nucleotide variant.
Coding change: c.3832C>T on transcript NM_014875.3 (MANE Select); coding-DNA position 3832, C replaced by T.
Protein change: p.Leu1278=; no amino-acid change (leucine 1278 retained).
Molecular consequence: synonymous variant.
Genome position (GRCh38, 1-based): chr1:200,565,499, G>A on the plus strand (C>T on the coding strand, the complement: KIF14 is on the minus strand). VCF-style: chr1-200565499-G-A. GRCh37 (hg19) VCF-style: chr1-200534627-G-A.
Other names: c.2359C>T, p.Leu787= (NM_001305792.1).
Identifiers: ClinVar variation 2639717 (VCV002639717.24), dbSNP rs1455502429, ClinGen allele CA422810353.